The following is an entry in ClinVar:

ClinVar aggregate classification (germline): Benign (0 of 4 stars; one submission).

Conditions:
CENPT-related disorder. Also called: CENPT-related condition.

Allele frequency attached by ClinVar (database versions not stated): gnomAD exomes 0.00032; ExAC 0.00103; gnomAD 0.00306; 1000 Genomes Project 0.00319; TOPMed 0.00348; 1000 Genomes Project 30x 0.00359; ESP Exome Variant Server 0.00432.
gnomAD v4.1: 999 of 1,614,042 alleles (0.062%); highest among the groups gnomAD compares: African/African-American, 1.1%; 7 homozygotes.

Submission:

PreventionGenetics, part of Exact Sciences
Classification: Benign for CENPT-related condition. Last evaluated: 2019-09-19. Review status: no assertion criteria provided. Collection method: clinical testing. Allele origin: germline.
Comment: This variant is classified as benign based on ACMG/AMP sequence variant interpretation guidelines (Richards et al. 2015 PMID: 25741868, with internal and published modifications).

NM_025082.4(CENPT):c.202-5G>A

Gene: CENPT (centromere protein T; minus strand). Cytogenetic location: 16q22.1.
Variant type: single nucleotide variant.
Coding change: c.202-5G>A on transcript NM_025082.4 (MANE Select); 5 bases into the intron before coding-DNA position 202, G replaced by A.
Molecular consequence: intron variant.
Genome position (GRCh38, 1-based): chr16:67,832,320, C>T on the plus strand (G>A on the coding strand, the complement: CENPT is on the minus strand). VCF-style: chr16-67832320-C-T. GRCh37 (hg19) VCF-style: chr16-67866223-C-T.
Identifiers: ClinVar variation 3039831 (VCV003039831.2), dbSNP rs113181211, ClinGen allele CA8117987.